The following is an entry in ClinVar:

NM_000179.3(MSH6):c.870G>C (p.Leu290=)

Gene: MSH6 (mutS homolog 6; plus strand). Cytogenetic location: 2p16.3.
Variant type: single nucleotide variant.
Coding change: c.870G>C on transcript NM_000179.3 (MANE Select); coding-DNA position 870, G replaced by C.
Protein change: p.Leu290=; no amino-acid change (leucine 290 retained).
Molecular consequence: synonymous variant. On other transcripts: 5 prime UTR variant (2).
Genome position (GRCh38, 1-based): chr2:47,798,853, G>C. VCF-style: chr2-47798853-G-C. GRCh37 (hg19) VCF-style: chr2-48025992-G-C.
Other names: c.480G>C, p.Leu160= (NM_001281492.2); c.-37G>C (NM_001281493.2, NM_001281494.2).
Identifiers: ClinVar variation 919515 (VCV000919515.14), dbSNP rs1669264800, ClinGen allele CA426120944.
Genomic context (GRCh38, chr2:47,798,853, plus strand): 5'-GGAGGAAGGAAGCAGTGATGAAATAAGCAGTGGAGTGGGGGATAGTGAGAGTGAAGGCCT[G>C]AACAGCCCTGTCAAAGTTGCTCGAAAGCGGAAGAGAATGGTGACTGGAAATGGCTCTCTT-3'
Protein context (NP_000170.1, residues 280-300): SGVGDSESEG[Leu290=]NSPVKVARKR

ClinVar aggregate classification (germline): Benign/Likely benign. Review status: criteria provided, multiple submitters, no conflicts (2 of 4 stars). 5 submissions from 5 submitters: Benign (1); Likely benign (4). Last evaluated 2024-12-20.

Conditions:
Lynch syndrome 5 (LYNCH5). Also called: Colorectal cancer, hereditary nonpolyposis, type 5; Hereditary non-polyposis colorectal cancer, type 5. Identifiers: Orphanet 144, MedGen C1833477, MONDO:0013710, OMIM 614350. Disease mechanism: loss of function.
Hereditary nonpolyposis colorectal neoplasms. Identifiers: MedGen C0009405, MeSH D003123.
Hereditary cancer-predisposing syndrome. Also called: Neoplastic Syndromes, Hereditary; Tumor predisposition; Hereditary Cancer Syndrome; Hereditary neoplastic syndrome. Identifiers: Orphanet 140162, MedGen C0027672, MeSH D009386, MONDO:0015356.

Allele frequency attached by ClinVar (database versions not stated): gnomAD exomes 0.00001.
gnomAD v4.1: 12 of 1,614,174 alleles (0.00074%); highest among the groups gnomAD compares: Non-Finnish European, 0.00093%; no homozygotes.

Submissions (5):

Myriad Genetics, Inc.
Classification: Benign for Lynch syndrome 5. Last evaluated: 2024-12-20. Review status: criteria provided, single submitter. Criteria: Myriad Autosomal Dominant, Autosomal Recessive and X-Linked Classification Criteria (2023). Collection method: clinical testing. Allele origin: unknown.
Comment: This variant is considered benign. This variant is a silent/synonymous amino acid change and it is not expected to impact splicing.

Labcorp Genetics (formerly Invitae), Labcorp
Classification: Likely benign for Hereditary nonpolyposis colorectal neoplasms. Last evaluated: 2023-05-02. Review status: criteria provided, single submitter. Criteria: Invitae Variant Classification Sherloc (09022015). Collection method: clinical testing. Allele origin: germline.

Sema4
Classification: Likely benign for Hereditary cancer-predisposing syndrome. Last evaluated: 2022-02-17. Review status: criteria provided, single submitter. Criteria: Sema4 Curation Guidelines. Collection method: curation. Allele origin: germline.

Ambry Genetics
Classification: Likely benign for Hereditary cancer-predisposing syndrome. Last evaluated: 2021-04-20. Review status: criteria provided, single submitter. Criteria: Ambry Variant Classification Scheme 2023. Collection method: clinical testing. Allele origin: germline.

Color Diagnostics, LLC DBA Color Health
Classification: Likely benign for Hereditary cancer-predisposing syndrome. Last evaluated: 2019-04-09. Review status: criteria provided, single submitter. Criteria: ACMG Guidelines, 2015. Collection method: clinical testing. Allele origin: germline.